The following is an entry in ClinVar:

NM_021728.4(OTX2):c.565C>G (p.Gln189Glu)

Gene: OTX2 (orthodenticle homeobox 2; minus strand). Cytogenetic location: 14q22.3.
Variant type: single nucleotide variant.
Coding change: c.565C>G on transcript NM_021728.4 (MANE Select); coding-DNA position 565, C replaced by G.
Protein change: p.Gln189Glu; replaces glutamine 189 with glutamic acid.
Molecular consequence: missense variant. On other transcripts: non-coding transcript variant (2).
Genome position (GRCh38, 1-based): chr14:56,802,064, G>C on the plus strand (C>G on the coding strand, the complement: OTX2 is on the minus strand). VCF-style: chr14-56802064-G-C. GRCh37 (hg19) VCF-style: chr14-57268782-G-C.
Other names: c.541C>G, p.Gln181Glu (NM_001270523.2, NM_001270524.2, NM_172337.3); c.565C>G, p.Gln189Glu (NM_001270525.2); short protein forms Q189E, Q181E.
Identifiers: ClinVar variation 3642188 (VCV003642188.2).
Genomic context (GRCh38, chr14:56,802,064, plus strand): 5'-AGTCCATGCCCCCAAAGTAGGAAGTTGAGCCAGCATATCCTTGACTATAACCTGAAGCCT[G>C]AGTATAGGTCATGGGATAGGACCTCTGCATGCAGGAAGAGGAGGTGGACAAGGGATCTGA-3'
Protein context (NP_068374.1, residues 179-199): MQRSYPMTYT[Gln189Glu]ASGYSQGYAG

ClinVar aggregate classification (germline): Uncertain significance (1 of 4 stars; one submission).

Conditions:
Anophthalmia-microphthalmia syndrome. Also called: Anophthalmia - microphthalmia; Anophthalmia/Microphthalmia. Identifiers: Orphanet 98555, MedGen C5680330, MONDO:0020147.

Submission:

Labcorp Genetics (formerly Invitae), Labcorp
Classification: Uncertain significance for Anophthalmia-microphthalmia syndrome. Last evaluated: 2024-02-20. Review status: criteria provided, single submitter. Criteria: Invitae Variant Classification Sherloc (09022015). Collection method: clinical testing. Allele origin: germline.
Comment: This sequence change replaces glutamine, which is neutral and polar, with glutamic acid, which is acidic and polar, at codon 181 of the OTX2 protein (p.Gln181Glu). This variant is not present in population databases (gnomAD no frequency). This variant has not been reported in the literature in individuals affected with OTX2-related conditions. An algorithm developed to predict the effect of missense changes on protein structure and function (PolyPhen-2) suggests that this variant is likely to be disruptive. In summary, the available evidence is currently insufficient to determine the role of this variant in disease. Therefore, it has been classified as a Variant of Uncertain Significance.